The following is an entry in ClinVar:

NM_001010874.5(TECRL):c.515_516del (p.Lys172fs)

Gene: TECRL (trans-2,3-enoyl-CoA reductase like; minus strand). Cytogenetic location: 4q13.1.
Variant type: Deletion.
Coding change: c.515_516del on transcript NM_001010874.5 (MANE Select); coding-DNA positions 515 to 516, 2 bases deleted (AA; older notation c.515_516delAA).
Protein change: p.Lys172fs; shifts the reading frame from lysine 172.
Molecular consequence: frameshift variant.
Genome position (GRCh38, 1-based): chr4:64,314,683-64,314,684, TT deleted on the plus strand (AA on the coding strand, the reverse complement: TECRL is on the minus strand); deleting any 2 consecutive bases within chr4:64,314,683-64,314,686 gives the same sequence; the c. name uses the placement nearest the transcript's 3' end. VCF-style (leftmost placement, unchanged base first): chr4-64314682-CTT-C. GRCh37 (hg19) VCF-style: chr4-65180400-CTT-C.
Other names: c.515_516del, p.Lys172fs (NM_001363796.1); short protein forms K172fs.
Identifiers: ClinVar variation 3232343 (VCV003232343.1), dbSNP rs1402891925, ClinGen allele CA552144012.

ClinVar aggregate classification (germline): Pathogenic (1 of 4 stars; one submission).

Conditions:
Cardiovascular phenotype. Identifiers: MedGen CN230736.

Submission:

Ambry Genetics
Classification: Pathogenic for Cardiovascular phenotype. Last evaluated: 2023-09-27. Review status: criteria provided, single submitter. Criteria: Ambry Variant Classification Scheme 2023. Collection method: clinical testing. Allele origin: germline.
Comment: The c.515_516delAA pathogenic mutation, located in coding exon 5 of the TECRL gene, results from a deletion of two nucleotides at nucleotide positions 515 to 516, causing a translational frameshift with a predicted alternate stop codon (p.K172Rfs*4). This variant is considered to be rare based on population cohorts in the Genome Aggregation Database (gnomAD). This alteration is expected to result in loss of function by premature protein truncation or nonsense-mediated mRNA decay. As such, this alteration is interpreted as a disease-causing mutation.